The following is an entry in ClinVar:

ClinVar aggregate classification (germline): Likely benign. Review status: criteria provided, multiple submitters, no conflicts (2 of 4 stars). 2 submissions from 2 submitters: Likely benign (2). Last evaluated 2022-11-01.

Allele frequency attached by ClinVar (database versions not stated): TOPMed 0.00003; gnomAD 0.00004 and 0.00008; gnomAD exomes 0.00006 and 0.00012; ESP Exome Variant Server 0.00008; ExAC 0.00016; 1000 Genomes Project 30x 0.00047; 1000 Genomes Project 0.00060.

Submissions (2):

Labcorp Genetics (formerly Invitae), Labcorp
Classification: Likely benign. Last evaluated: 2022-11-01. Review status: criteria provided, single submitter. Criteria: Invitae Variant Classification Sherloc (09022015). Collection method: clinical testing. Allele origin: germline.

GeneDx
Classification: Likely benign. Last evaluated: 2018-03-12. Review status: criteria provided, single submitter. Criteria: GeneDx Variant Classification (06012015). Collection method: clinical testing. Allele origin: germline. Affected: yes.
Comment: This variant is considered likely benign or benign based on one or more of the following criteria: it is a conservative change, it occurs at a poorly conserved position in the protein, it is predicted to be benign by multiple in silico algorithms, and/or has population frequency not consistent with disease.

NM_017775.4(TTC19):c.375C>T (p.Leu125=)

Gene: TTC19 (tetratricopeptide repeat domain 19; plus strand). Cytogenetic location: 17p12.
Variant type: single nucleotide variant.
Coding change: c.375C>T on transcript NM_017775.4 (MANE Select); coding-DNA position 375, C replaced by T.
Protein change: p.Leu125=; no amino-acid change (leucine 125 retained).
Molecular consequence: synonymous variant.
Genome position (GRCh38, 1-based): chr17:16,001,977, C>T. VCF-style: chr17-16001977-C-T. GRCh37 (hg19) VCF-style: chr17-15905291-C-T.
Other names: c.54C>T, p.Leu18= (NM_001271420.2).
Identifiers: ClinVar variation 515987 (VCV000515987.7), dbSNP rs149339696, ClinGen allele CA8407325.